The following is an entry in ClinVar:

NM_194454.3(KRIT1):c.1127A>T (p.Asn376Ile)

Gene: KRIT1 (KRIT1 ankyrin repeat containing; minus strand). Cytogenetic location: 7q21.2.
Variant type: single nucleotide variant.
Coding change: c.1127A>T on transcript NM_194454.3 (MANE Select); coding-DNA position 1127, A replaced by T.
Protein change: p.Asn376Ile; replaces asparagine 376 with isoleucine.
Molecular consequence: missense variant.
Genome position (GRCh38, 1-based): chr7:92,226,545, T>A on the plus strand (A>T on the coding strand, the complement: KRIT1 is on the minus strand). VCF-style: chr7-92226545-T-A. GRCh37 (hg19) VCF-style: chr7-91855859-T-A.
Other names: c.983A>T, p.Asn328Ile (NM_001013406.2, NM_001350669.1, NM_001350670.1); c.413A>T, p.Asn138Ile (NM_001350671.1); c.1127A>T, p.Asn376Ile (NM_001350672.1, NM_001350673.1, NM_001350674.1 and 26 more transcripts); short protein forms N328I, N376I, N138I.
Identifiers: ClinVar variation 3016921 (VCV003016921.3), dbSNP rs747246677, ClinGen allele CA4339210.

ClinVar aggregate classification (germline): Uncertain significance (1 of 4 stars; one submission).

Conditions:
Cerebral cavernous malformation (CCM). Also called: Cavernous Hemangioma of Brain; CAVERNOUS ANGIOMA, FAMILIAL; CAVERNOUS ANGIOMATOUS MALFORMATIONS; CEREBRAL CAPILLARY MALFORMATIONS; Cerebral cavernous malformations; Cerebral cavernous hemangioma (type). Identifiers: Orphanet 221061, MedGen C2919945, MONDO:0000820, OMIM 116860, HP:0033522.

Allele frequency attached by ClinVar (database versions not stated): gnomAD 0.00001; TOPMed 0.00001; ExAC 0.00002; gnomAD exomes 0.00003.
gnomAD v4.1: 53 of 1,612,516 alleles (0.0033%); highest among the groups gnomAD compares: Non-Finnish European, 0.0041%; no homozygotes.

Submission:

Labcorp Genetics (formerly Invitae), Labcorp
Classification: Uncertain significance for Cerebral cavernous malformation. Last evaluated: 2023-09-01. Review status: criteria provided, single submitter. Criteria: Invitae Variant Classification Sherloc (09022015). Collection method: clinical testing. Allele origin: germline.
Comment: This sequence change replaces asparagine, which is neutral and polar, with isoleucine, which is neutral and non-polar, at codon 376 of the KRIT1 protein (p.Asn376Ile). This variant is present in population databases (rs747246677, gnomAD 0.01%). This variant has not been reported in the literature in individuals affected with KRIT1-related conditions. Advanced modeling of protein sequence and biophysical properties (such as structural, functional, and spatial information, amino acid conservation, physicochemical variation, residue mobility, and thermodynamic stability) performed at Invitae indicates that this missense variant is not expected to disrupt KRIT1 protein function. In summary, the available evidence is currently insufficient to determine the role of this variant in disease. Therefore, it has been classified as a Variant of Uncertain Significance.